The following is an entry in ClinVar:

NM_000642.3(AGL):c.1155G>T (p.Lys385Asn)

Gene: AGL (amylo-alpha-1,6-glucosidase and 4-alpha-glucanotransferase; plus strand). Cytogenetic location: 1p21.2.
Variant type: single nucleotide variant.
Coding change: c.1155G>T on transcript NM_000642.3 (MANE Select); coding-DNA position 1155, G replaced by T.
Protein change: p.Lys385Asn; replaces lysine 385 with asparagine.
Molecular consequence: missense variant.
Genome position (GRCh38, 1-based): chr1:99,875,226, G>T. VCF-style: chr1-99875226-G-T. GRCh37 (hg19) VCF-style: chr1-100340782-G-T.
Other names: c.1155G>T, p.Lys385Asn (NM_000028.3, NM_000643.3, NM_000644.3 and 2 more transcripts); c.1107G>T, p.Lys369Asn (NM_000646.3); c.951G>T, p.Lys317Asn (NM_001425328.1, NM_001425329.1); c.777G>T, p.Lys259Asn (NM_001425332.1); short protein forms K385N, K369N, K259N, K317N.
Identifiers: ClinVar variation 256719 (VCV000256719.44), dbSNP rs28730701, ClinGen allele CA966399.

ClinVar aggregate classification (germline): Benign/Likely benign. Review status: criteria provided, multiple submitters, no conflicts (2 of 4 stars). 15 submissions from 15 submitters: Benign (8); Likely benign (3). 4 of the submissions do not count toward it. Last evaluated 2026-09-01.

Conditions:
Glycogen storage disease type III (GSD3). Also called: FORBES DISEASE; Cori disease. Identifiers: Orphanet 366, MedGen C0017922, MONDO:0009291, OMIM 232400.

Allele frequency attached by ClinVar (database versions not stated): 1000 Genomes Project 30x 0.00812; 1000 Genomes Project 0.00839; TOPMed 0.01019; ESP Exome Variant Server 0.01084; gnomAD 0.01764.
gnomAD v4.1: 20,341 of 1,614,052 alleles (1.3%); highest among the groups gnomAD compares: Middle Eastern, 4.7%; 180 homozygotes.

Submissions (15):

CeGaT Center for Human Genetics Tuebingen
Classification: Benign. Last evaluated: 2026-09-01. Review status: criteria provided, single submitter. Criteria: CeGaT Center For Human Genetics Tuebingen Variant Classification Criteria Version 2. Collection method: clinical testing. Allele origin: germline. Affected: yes. Observed: 26 variant alleles.
Comment: AGL: BP4, BS1, BS2

Labcorp Genetics (formerly Invitae), Labcorp
Classification: Benign for Glycogen storage disease type III. Last evaluated: 2026-02-03. Review status: criteria provided, single submitter. Criteria: Invitae Variant Classification Sherloc (09022015). Collection method: clinical testing. Allele origin: germline.

Dasa
Classification: Benign. Last evaluated: 2025-12-02. Review status: criteria provided, single submitter. Criteria: DASA Assertion Criteria. Collection method: clinical testing. Allele origin: germline.
Comment: NM_000642.3(AGL):c.1155G>T (p.Lys385Asn) is a missense variant that results in the substitution of lysine with asparagine. Population frequency is inconsistent with a disease-causing role for this variant, and observations in unaffected individuals support a benign interpretation. Therefore, based on the currently available evidence, this variant is classified as benign.

ARUP Laboratories, Molecular Genetics and Genomics, ARUP Laboratories
Classification: Benign. Last evaluated: 2025-07-31. Review status: criteria provided, single submitter. Criteria: ARUP Molecular Germline Variant Investigation Process 2024. Collection method: clinical testing. Allele origin: germline.

Blueprint Genetics
Classification: Likely benign. Last evaluated: 2024-11-26. Review status: criteria provided, single submitter. Criteria: ACMG Guidelines, 2015. Collection method: clinical testing. Allele origin: germline.

Genome-Nilou Lab
Classification: Benign for Glycogen storage disease type III. Last evaluated: 2021-07-15. Review status: criteria provided, single submitter. Criteria: ACMG Guidelines, 2015. Collection method: clinical testing. Allele origin: germline. Affected: no.

Illumina Laboratory Services, Illumina
Classification: Benign for Glycogen storage disease type III. Last evaluated: 2018-01-12. Review status: criteria provided, single submitter. Criteria: ICSL Variant Classification Criteria 13 December 2019. Collection method: clinical testing. Allele origin: germline.
Comment: This variant was observed in the ICSL laboratory as part of a predisposition screen in an ostensibly healthy population. It had not been previously curated by ICSL or reported in the Human Gene Mutation Database (HGMD: prior to June 1st, 2018), and was therefore a candidate for classification through an automated scoring system. Utilizing variant allele frequency, disease prevalence and penetrance estimates, and inheritance mode, an automated score was calculated to assess if this variant is too frequent to cause the disease. Based on the score and internal cut-off values, a variant classified as benign is not then subjected to further curation. The score for this variant resulted in a classification of benign for this disease.

GeneDx
Classification: Benign. Last evaluated: 2016-02-10. Review status: criteria provided, single submitter. Criteria: GeneDx Variant Classification (06012015). Collection method: clinical testing. Allele origin: germline. Affected: yes.
Comment: This variant is considered likely benign or benign based on one or more of the following criteria: it is a conservative change, it occurs at a poorly conserved position in the protein, it is predicted to be benign by multiple in silico algorithms, and/or has population frequency not consistent with disease.

Genome Diagnostics Laboratory, University Medical Center Utrecht
Classification: Likely benign for Glycogen storage disease type III. Last evaluated: 2014-10-09. Review status: criteria provided, single submitter. Criteria: ACGS Guidelines, 2013. Collection method: clinical testing. Allele origin: germline. Affected: yes. Study: VKGL Data-share Consensus.

Breakthrough Genomics
Classification: Likely benign. Review status: criteria provided, single submitter. Criteria: ACMG Guidelines, 2015. Collection method: not provided. Allele origin: germline. Inheritance: Autosomal recessive inheritance. Affected: yes.

PreventionGenetics, part of Exact Sciences
Classification: Benign. Review status: criteria provided, single submitter. Criteria: ACMG Guidelines, 2015. Collection method: clinical testing. Allele origin: germline.

Natera, Inc.
Classification: Benign for Glycogen storage disease type III. Last evaluated: 2020-09-16. Review status: no assertion criteria provided. Collection method: clinical testing. Allele origin: germline. Not counted in ClinVar's aggregate classification.

Mayo Clinic Laboratories, Mayo Clinic
Classification: Likely benign. Last evaluated: 2017-03-14. Review status: no assertion criteria provided. Collection method: clinical testing. Allele origin: unknown. Not counted in ClinVar's aggregate classification.

Diagnostic Laboratory, Department of Genetics, University Medical Center Groningen
Classification: Benign for Glycogen storage disease type III. Review status: no assertion criteria provided. Collection method: clinical testing. Allele origin: germline. Affected: yes. Study: VKGL Data-share Consensus. Not counted in ClinVar's aggregate classification.

Laboratory of Diagnostic Genome Analysis, Leiden University Medical Center (LUMC)
Classification: Likely benign. Review status: no assertion criteria provided. Collection method: clinical testing. Allele origin: germline. Affected: yes. Study: VKGL Data-share Consensus. Not counted in ClinVar's aggregate classification.